The following is an entry in ClinVar:

NM_198578.4(LRRK2):c.169G>A (p.Gly57Ser)

Gene: LRRK2 (leucine rich repeat kinase 2; plus strand). Cytogenetic location: 12q12.
Variant type: single nucleotide variant.
Coding change: c.169G>A on transcript NM_198578.4 (MANE Select); coding-DNA position 169, G replaced by A.
Protein change: p.Gly57Ser; replaces glycine 57 with serine.
Molecular consequence: missense variant.
Genome position (GRCh38, 1-based): chr12:40,225,572, G>A. VCF-style: chr12-40225572-G-A. GRCh37 (hg19) VCF-style: chr12-40619374-G-A.
Other names: short protein forms G57S.
Identifiers: ClinVar variation 1778315 (VCV001778315.2), dbSNP rs370488844, ClinGen allele CA6513008.

ClinVar aggregate classification (germline): Uncertain significance (1 of 4 stars; one submission).

Conditions:
Inborn genetic diseases. Identifiers: MedGen C0950123, MeSH D030342.

Allele frequency attached by ClinVar (database versions not stated): TOPMed below 0.00001; gnomAD 0.00001; ESP Exome Variant Server 0.00008.
gnomAD v4.1: 2 of 1,613,976 alleles (0.00012%); highest among the groups gnomAD compares: Non-Finnish European, 0.00017%; no homozygotes.

Submission:

Ambry Genetics
Classification: Uncertain significance for Inborn genetic diseases. Last evaluated: 2022-08-22. Review status: criteria provided, single submitter. Criteria: Ambry Variant Classification Scheme 2023. Collection method: clinical testing. Allele origin: germline.
Comment: The p.G57S variant (also known as c.169G>A), located in coding exon 2 of the LRRK2 gene, results from a G to A substitution at nucleotide position 169. The glycine at codon 57 is replaced by serine, an amino acid with similar properties. This amino acid position is conserved. In addition, this alteration is predicted to be tolerated by in silico analysis. Since supporting evidence is limited at this time, the clinical significance of this alteration remains unclear.